The following is an entry in ClinVar:

ClinVar aggregate classification (germline): Conflicting classifications of pathogenicity. Review status: criteria provided, conflicting classifications (1 of 4 stars). 3 submissions from 3 submitters: Uncertain significance (2); Likely benign (1). Last evaluated 2026-01-28.

Conditions:
Hereditary nonpolyposis colorectal neoplasms. Identifiers: MedGen C0009405, MeSH D003123.
Hereditary cancer-predisposing syndrome. Also called: Hereditary Cancer Syndrome; Hereditary neoplastic syndrome; Neoplastic Syndromes, Hereditary; Tumor predisposition. Identifiers: Orphanet 140162, MedGen C0027672, MeSH D009386, MONDO:0015356.

gnomAD v4.1: 10 of 1,607,104 alleles (0.00062%); highest among the groups gnomAD compares: South Asian, 0.0011%; no homozygotes.

Submissions (3):

Labcorp Genetics (formerly Invitae), Labcorp
Classification: Uncertain significance for Hereditary nonpolyposis colorectal neoplasms. Last evaluated: 2026-01-28. Review status: criteria provided, single submitter. Criteria: Invitae Variant Classification Sherloc (09022015). Collection method: clinical testing. Allele origin: germline.
Comment: This sequence change replaces proline, which is neutral and non-polar, with alanine, which is neutral and non-polar, at codon 42 of the MSH6 protein (p.Pro42Ala). This variant is not present in population databases (gnomAD no frequency). This variant has not been reported in the literature in individuals affected with MSH6-related conditions. ClinVar contains an entry for this variant (Variation ID: 455127). Invitae Evidence Modeling of protein sequence and biophysical properties (such as structural, functional, and spatial information, amino acid conservation, physicochemical variation, residue mobility, and thermodynamic stability) indicates that this missense variant is not expected to disrupt MSH6 protein function with a negative predictive value of 95%. In summary, the available evidence is currently insufficient to determine the role of this variant in disease. Therefore, it has been classified as a Variant of Uncertain Significance.

Ambry Genetics
Classification: Likely benign for Hereditary cancer-predisposing syndrome. Last evaluated: 2025-04-30. Review status: criteria provided, single submitter. Criteria: Ambry Variant Classification Scheme 2023. Collection method: clinical testing. Allele origin: germline.

Color Diagnostics, LLC DBA Color Health
Classification: Uncertain significance for Hereditary cancer-predisposing syndrome. Last evaluated: 2023-05-09. Review status: criteria provided, single submitter. Criteria: ACMG Guidelines, 2015. Collection method: clinical testing. Allele origin: germline.
Comment: This missense variant replaces proline with alanine at codon 42 of the MSH6 protein. Computational prediction suggests that this variant may not impact protein structure and function (internally defined REVEL score threshold <= 0.5, PMID: 27666373). To our knowledge, functional studies have not been reported for this variant. This variant has not been reported in individuals affected with MSH6-related disorders in the literature. This variant has not been identified in the general population by the Genome Aggregation Database (gnomAD). The available evidence is insufficient to determine the role of this variant in disease conclusively. Therefore, this variant is classified as a Variant of Uncertain Significance.

NM_000179.3(MSH6):c.124C>G (p.Pro42Ala)

Gene: MSH6 (mutS homolog 6; plus strand). Cytogenetic location: 2p16.3.
Variant type: single nucleotide variant.
Coding change: c.124C>G on transcript NM_000179.3 (MANE Select); coding-DNA position 124, C replaced by G.
Protein change: p.Pro42Ala; replaces proline 42 with alanine.
Molecular consequence: missense variant. On other transcripts: 5 prime UTR variant (1).
Genome position (GRCh38, 1-based): chr2:47,783,357, C>G. VCF-style: chr2-47783357-C-G. GRCh37 (hg19) VCF-style: chr2-48010496-C-G.
Other names: c.124C>G, p.Pro42Ala (NM_001281492.2); c.-613C>G (NM_001281493.2); short protein forms P42A.
Identifiers: ClinVar variation 455127 (VCV000455127.17), dbSNP rs34014629, ClinGen allele CA346734876.
Genomic context (GRCh38, chr2:47,783,357, plus strand): 5'-AAGGCCTCGGCCAGGGCCTCACGCGAAGGCGGCCGTGCCGCCGCTGCCCCCGGGGCCTCT[C>G]CTTCCCCAGGCGGGGATGCGGCCTGGAGCGAGGCTGGGCCTGGGCCCAGGCCCTTGGCGC-3'
Protein context (NP_000170.1, residues 32-52): GRAAAAPGAS[Pro42Ala]SPGGDAAWSE